The following is an entry in ClinVar:

NM_001267550.2(TTN):c.50374G>T (p.Glu16792Ter)

Genes: TTN (titin; minus strand), TTN-AS1 (TTN antisense RNA 1; plus strand). Cytogenetic location: 2q31.2.
Variant type: single nucleotide variant.
Coding change: c.50374G>T on transcript NM_001267550.2 (MANE Select); coding-DNA position 50374, G replaced by T.
Protein change: p.Glu16792Ter; replaces glutamic acid 16792 with a stop codon.
Molecular consequence: nonsense.
Genome position (GRCh38, 1-based): chr2:178,611,935, C>A on the plus strand (G>T on the coding strand, the complement: TTN is on the minus strand). VCF-style: chr2-178611935-C-A. GRCh37 (hg19) VCF-style: chr2-179476662-C-A.
Other names: c.45451G>T, p.Glu15151Ter (NM_001256850.1); c.23179G>T, p.Glu7727Ter (NM_003319.4); c.42670G>T, p.Glu14224Ter (NM_133378.4); c.23554G>T, p.Glu7852Ter (NM_133432.3); c.23755G>T, p.Glu7919Ter (NM_133437.4); short protein forms E14224*, E15151*, E16792*, E7727*, E7852*, E7919*.
Identifiers: ClinVar variation 4820416 (VCV004820416.1).

ClinVar aggregate classification (germline): Likely pathogenic (1 of 4 stars; one submission).

Conditions:
Cardiovascular phenotype. Identifiers: MedGen CN230736.

Submission:

Molecular Diagnostic Laboratory for Inherited Cardiovascular Disease, Montreal Heart Institute
Classification: Likely pathogenic for Cardiovascular phenotype. Last evaluated: 2025-11-19. Review status: criteria provided, single submitter. Criteria: ACMG Guidelines, 2015. Collection method: clinical testing. Allele origin: germline. Affected: yes.
Comment: PVS1, PM2